The following is an entry in ClinVar:

ClinVar aggregate classification (germline): Likely pathogenic (1 of 4 stars; one submission).

Conditions:
Neuronal ceroid lipofuscinosis. Also called: Neuronal Ceroid Lipofuscinoses. Identifiers: Orphanet 216, Orphanet 79263, MedGen C0027877, MONDO:0016295. Disease mechanism: loss of function.

Submission:

Natera, Inc.
Classification: Likely pathogenic for Neuronal ceroid lipofuscinosis. Last evaluated: 2025-12-31. Review status: criteria provided, single submitter. Criteria: Natera Variant Classification Schema (03/2026). Collection method: clinical testing. Allele origin: germline.
Comment: The c.642C>A variant in CLN5 is a nonsense variant predicted to introduce a stop codon at amino acid 214. This variant is expected to result in nonsense mediated decay, truncation, or a dysfunctional protein product. This variant is rare in the general population with a frequency below the threshold expected for the associated phenotype(s). Given the available evidence, this variant is classified as Likely Pathogenic.

NM_006493.4(CLN5):c.495C>A (p.Cys165Ter)

Gene: CLN5 (CLN5 lysosomal BMP synthase; plus strand). Cytogenetic location: 13q22.3.
Variant type: single nucleotide variant.
Coding change: c.495C>A on transcript NM_006493.4 (MANE Select); coding-DNA position 495, C replaced by A.
Protein change: p.Cys165Ter; replaces cysteine 165 with a stop codon.
Molecular consequence: nonsense.
Genome position (GRCh38, 1-based): chr13:76,996,057, C>A. VCF-style: chr13-76996057-C-A. GRCh37 (hg19) VCF-style: chr13-77570192-C-A.
Other names: c.495C>A, p.Cys165Ter (NM_001366624.2); short protein forms C165*, C214*.
Identifiers: ClinVar variation 4815513 (VCV004815513.1).